The following is an entry in ClinVar:

NM_016169.4(SUFU):c.1207G>A (p.Asp403Asn)

Gene: SUFU (SUFU negative regulator of hedgehog signaling; plus strand). Cytogenetic location: 10q24.32.
Variant type: single nucleotide variant.
Coding change: c.1207G>A on transcript NM_016169.4 (MANE Select); coding-DNA position 1207, G replaced by A.
Protein change: p.Asp403Asn; replaces aspartic acid 403 with asparagine.
Molecular consequence: missense variant.
Genome position (GRCh38, 1-based): chr10:102,617,339, G>A. VCF-style: chr10-102617339-G-A. GRCh37 (hg19) VCF-style: chr10-104377096-G-A.
Other names: c.1207G>A, p.Asp403Asn (NM_001178133.2); short protein forms D403N.
Identifiers: ClinVar variation 3963874 (VCV003963874.1).

ClinVar aggregate classification (germline): Uncertain significance (1 of 4 stars; one submission).

Conditions:
Hereditary cancer-predisposing syndrome. Also called: Tumor predisposition; Hereditary neoplastic syndrome; Hereditary Cancer Syndrome; Neoplastic Syndromes, Hereditary. Identifiers: Orphanet 140162, MedGen C0027672, MeSH D009386, MONDO:0015356.

Submission:

Ambry Genetics
Classification: Uncertain significance for Hereditary cancer-predisposing syndrome. Last evaluated: 2025-06-09. Review status: criteria provided, single submitter. Criteria: Ambry Variant Classification Scheme 2023. Collection method: clinical testing. Allele origin: germline.
Comment: The p.D403N variant (also known as c.1207G>A), located in coding exon 10 of the SUFU gene, results from a G to A substitution at nucleotide position 1207. The aspartic acid at codon 403 is replaced by asparagine, an amino acid with highly similar properties. This amino acid position is conserved. In addition, this alteration is predicted to be tolerated by in silico analysis. Based on the available evidence, the clinical significance of this variant remains unclear.